The following is an entry in ClinVar:

ClinVar aggregate classification (germline): Uncertain significance. Review status: criteria provided, multiple submitters, no conflicts (2 of 4 stars). 2 submissions from 2 submitters: Uncertain significance (2). Last evaluated 2025-10-05.

Conditions:
Combined immunodeficiency due to ORAI1 deficiency. Also called: IMMUNODEFICIENCY 9. Identifiers: Orphanet 169090, Orphanet 317428, MedGen C2748568, MONDO:0013007, OMIM 612782.
Myopathy, tubular aggregate, 2 (TAM2). Identifiers: MedGen C4014557, MONDO:0014383, OMIM 615883.

Allele frequency attached by ClinVar (database versions not stated): gnomAD exomes 0.00005 and 0.00006; TOPMed 0.00002; gnomAD 0.00001; ExAC 0.00012.

Submissions (2):

Labcorp Genetics (formerly Invitae), Labcorp
Classification: Uncertain significance for Myopathy, tubular aggregate, 2; Combined immunodeficiency due to ORAI1 deficiency. Last evaluated: 2025-10-05. Review status: criteria provided, single submitter. Criteria: Invitae Variant Classification Sherloc (09022015). Collection method: clinical testing. Allele origin: germline.
Comment: This sequence change replaces alanine, which is neutral and non-polar, with threonine, which is neutral and polar, at codon 217 of the ORAI1 protein (p.Ala217Thr). This variant is present in population databases (rs782438034, gnomAD 0.01%). This variant has not been reported in the literature in individuals affected with ORAI1-related conditions. ClinVar contains an entry for this variant (Variation ID: 1403507). Experimental studies and prediction algorithms are not available or were not evaluated, and the functional significance of this variant is currently unknown. In summary, the available evidence is currently insufficient to determine the role of this variant in disease. Therefore, it has been classified as a Variant of Uncertain Significance.

Women's Health and Genetics/Laboratory Corporation of America, LabCorp
Classification: Uncertain significance. Last evaluated: 2024-07-05. Review status: criteria provided, single submitter. Criteria: LabCorp Variant Classification Summary - May 2015. Collection method: clinical testing. Allele origin: germline.
Comment: Variant summary: ORAI1 c.655G>A (p.Ala219Thr) results in a non-conservative amino acid change in the encoded protein sequence. Two of three in-silico tools predict a benign effect of the variant on protein function. The variant allele was found at a frequency of 6.1e-05 in 247334 control chromosomes. This frequency is not significantly higher than estimated for a pathogenic variant in ORAI1 causing Myopathy, Tubular Aggregate, 2, allowing no conclusion about variant significance. To our knowledge, no occurrence of c.655G>A in individuals affected with Myopathy, Tubular Aggregate, 2 and no experimental evidence demonstrating its impact on protein function have been reported. ClinVar contains an entry for this variant (Variation ID: 1403507). Based on the evidence outlined above, the variant was classified as uncertain significance.

NM_032790.4(ORAI1):c.649G>A (p.Ala217Thr)

Gene: ORAI1 (ORAI calcium release-activated calcium modulator 1; plus strand). Cytogenetic location: 12q24.31.
Variant type: single nucleotide variant.
Coding change: c.649G>A on transcript NM_032790.4 (MANE Select); coding-DNA position 649, G replaced by A.
Protein change: p.Ala217Thr; replaces alanine 217 with threonine.
Genome position (GRCh38, 1-based): chr12:121,641,386, G>A. VCF-style: chr12-121641386-G-A. GRCh37 (hg19) VCF-style: chr12-122079292-G-A.
Other names: short protein forms A217T.
Identifiers: ClinVar variation 1403507 (VCV001403507.7), dbSNP rs782438034, ClinGen allele CA6837532.
Genomic context (GRCh38, chr12:121,641,386, plus strand): 5'-GTCAAGTTCTTGCCCCTCAAGAAGCAGCCAGGCCAGCCAAGGCCCACCAGCAAGCCCCCC[G>A]CCAGTGGCGCAGCAGCCAACGTCAGCACCAGCGGCATCACCCCGGGCCAGGCAGCTGCCA-3'
Protein context (NP_116179.2, residues 207-227): GQPRPTSKPP[Ala217Thr]SGAAANVSTS